The following is an entry in ClinVar:

ClinVar aggregate classification (germline): Likely benign (1 of 4 stars; one submission).

Allele frequency attached by ClinVar (database versions not stated): 1000 Genomes Project 30x 0.00016; 1000 Genomes Project 0.00020.

Submission:

CeGaT Center for Human Genetics Tuebingen
Classification: Likely benign. Last evaluated: 2026-08-01. Review status: criteria provided, single submitter. Criteria: CeGaT Center For Human Genetics Tuebingen Variant Classification Criteria Version 2. Collection method: clinical testing. Allele origin: germline. Affected: yes. Observed: 6 variant alleles.
Comment: BTBD17: BP4, BP7

NM_001080466.2(BTBD17):c.909C>T (p.Phe303=)

Gene: BTBD17 (BTB domain containing 17; minus strand). Cytogenetic location: 17q25.1.
Variant type: single nucleotide variant.
Coding change: c.909C>T on transcript NM_001080466.2 (MANE Select); coding-DNA position 909, C replaced by T.
Protein change: p.Phe303=; no amino-acid change (phenylalanine 303 retained).
Molecular consequence: synonymous variant.
Genome position (GRCh38, 1-based): chr17:74,357,185, G>A on the plus strand (C>T on the coding strand, the complement: BTBD17 is on the minus strand). VCF-style: chr17-74357185-G-A. GRCh37 (hg19) VCF-style: chr17-72353324-G-A.
Identifiers: ClinVar variation 2648214 (VCV002648214.24), dbSNP rs200976425, ClinGen allele CA293863797.
Genomic context (GRCh38, chr17:74,357,185, plus strand): 5'-GGCGCCCCAGGCGGGCGCGAGGTAGTTGCGGGGCAGGAAGGCGCTGCCGTTGACGTCGAA[G>A]AACTTGGCGTAGTGCAGCGGCGACGCGGCGTGGAACTGGTAGGCCTGCAGCAGGAGGTCG-3'
Protein context (NP_001073935.1, residues 293-313): HAASPLHYAK[Phe303=]FDVNGSAFLP